The following is an entry in ClinVar:

ClinVar aggregate classification (germline): Likely benign. Review status: criteria provided, single submitter (1 of 4 stars). 2 submissions from 2 submitters: Likely benign (1). 1 of the submissions does not count toward it. Last evaluated 2026-03-09.

Conditions:
Neuronal ceroid lipofuscinosis 15. Also called: Neurodegeneration, childhood-onset, hypotonia, respiratory insufficiency and brain imaging abnormalities; Neurodegeneration, childhood-onset, with hypotonia, respiratory insufficiency, and brain imaging abnormalities. Identifiers: Orphanet 610573, MedGen C5543020, MONDO:0030947, OMIM 619173.

gnomAD v4.1: 15 of 1,613,036 alleles (0.00093%); highest among the groups gnomAD compares: South Asian, 0.016%; no homozygotes.

Submissions (2):

Centre for Medical Genetics,  Mumbai
Classification: Likely benign for Neuronal ceroid lipofuscinosis 15. Last evaluated: 2026-03-09. Review status: criteria provided, single submitter. Criteria: ACMG Guidelines, 2015. Collection method: provider interpretation. Allele origin: germline. Inheritance: Autosomal dominant inheritance. Affected: no. Observed: 1 variant allele, 1 heterozygote.
Comment: The variant satisfies PM2 criteria; Extremely low frequency in gnomAD population databases. The variant satisfies PP3 criteria; For a missense or a splicing region variant, computational prediction tools unanimously support a deleterious effect on the gene. However, the variant satisfies BS2 criteria; present in heterozygous state in an individual that clinically does not have Ceroid lipofuscinosis, neuronal, 15.

Hong-Tao Li Lab, Institute of Brain Science and Brain-inspired Research, Shandong First Medical University & Shandong Academy of Medical Sciences China
Classification: Uncertain significance for Neuronal ceroid lipofuscinosis 15. Review status: no assertion criteria provided. Collection method: research. Allele origin: germline. Inheritance: Autosomal dominant inheritance. Affected: yes. Observed: 1 variant allele, 1 heterozygote. Not counted in ClinVar's aggregate classification.
Comment: Observed in affected individuals from a Pakistani neurodevelopmental-disorder research cohort of 263 individuals. Classification assigned using the ACMG/AMP framework. Population-frequency evidence: gnomAD AF 1.596e-05.

Literature cited by the submitters: PubMed 33217309 (cited by Centre for Medical Genetics,  Mumbai).

NM_001286.5(CLCN6):c.1372+4A>G

Gene: CLCN6 (Cl-/H+ antiporter 6; plus strand). Cytogenetic location: 1p36.22.
Variant type: single nucleotide variant.
Coding change: c.1372+4A>G on transcript NM_001286.5 (MANE Select); 4 bases into the intron after coding-DNA position 1372, A replaced by G.
Molecular consequence: intron variant.
Genome position (GRCh38, 1-based): chr1:11,833,642, A>G. VCF-style: chr1-11833642-A-G. GRCh37 (hg19) VCF-style: chr1-11893699-A-G.
Other names: c.1306+4A>G (NM_001256959.2).
Identifiers: ClinVar variation 4819423 (VCV004819423.2).